The following is an entry in ClinVar:

ClinVar aggregate classification (germline): Uncertain significance. Review status: criteria provided, multiple submitters, no conflicts (2 of 4 stars). 2 submissions from 2 submitters: Uncertain significance (2). Last evaluated 2026-02-13.

Conditions:
Catecholaminergic polymorphic ventricular tachycardia 1. Also called: VENTRICULAR TACHYCARDIA, CATECHOLAMINERGIC POLYMORPHIC, 1, WITH OR WITHOUT ATRIAL DYSFUNCTION AND/OR DILATED CARDIOMYOPATHY; RYR2-Related Catecholaminergic Polymorphic Ventricular Tachycardia; VENTRICULAR TACHYCARDIA, STRESS-INDUCED POLYMORPHIC 1. Identifiers: Orphanet 3286, MedGen C1631597, MONDO:0011484, OMIM 604772.
Cardiovascular phenotype. Identifiers: MedGen CN230736.

Submissions (2):

Ambry Genetics
Classification: Uncertain significance for Cardiovascular phenotype. Last evaluated: 2026-02-13. Review status: criteria provided, single submitter. Criteria: Ambry Variant Classification Scheme 2023. Collection method: clinical testing. Allele origin: germline.
Comment: The p.V1209A variant (also known as c.3626T>C), located in coding exon 30 of the RYR2 gene, results from a T to C substitution at nucleotide position 3626. The valine at codon 1209 is replaced by alanine, an amino acid with similar properties. This amino acid position is conserved. In addition, this alteration is predicted to be tolerated by in silico analysis. Based on the available evidence, the clinical significance of this variant remains unclear.

Labcorp Genetics (formerly Invitae), Labcorp
Classification: Uncertain significance for Catecholaminergic polymorphic ventricular tachycardia 1. Last evaluated: 2024-08-08. Review status: criteria provided, single submitter. Criteria: Invitae Variant Classification Sherloc (09022015). Collection method: clinical testing. Allele origin: germline.
Comment: This sequence change replaces valine, which is neutral and non-polar, with alanine, which is neutral and non-polar, at codon 1209 of the RYR2 protein (p.Val1209Ala). This variant is not present in population databases (gnomAD no frequency). This variant has not been reported in the literature in individuals affected with RYR2-related conditions. ClinVar contains an entry for this variant (Variation ID: 1914769). Advanced modeling of protein sequence and biophysical properties (such as structural, functional, and spatial information, amino acid conservation, physicochemical variation, residue mobility, and thermodynamic stability) performed at Invitae indicates that this missense variant is not expected to disrupt RYR2 protein function with a negative predictive value of 95%. In summary, the available evidence is currently insufficient to determine the role of this variant in disease. Therefore, it has been classified as a Variant of Uncertain Significance.

NM_001035.3(RYR2):c.3626T>C (p.Val1209Ala)

Gene: RYR2 (ryanodine receptor 2; plus strand). Cytogenetic location: 1q43.
Variant type: single nucleotide variant.
Coding change: c.3626T>C on transcript NM_001035.3 (MANE Select); coding-DNA position 3626, T replaced by C.
Protein change: p.Val1209Ala; replaces valine 1209 with alanine.
Molecular consequence: missense variant.
Genome position (GRCh38, 1-based): chr1:237,589,820, T>C. VCF-style: chr1-237589820-T-C. GRCh37 (hg19) VCF-style: chr1-237753120-T-C.
Other names: c.3626T>C (NM_001035.2); short protein forms V1209A.
Identifiers: ClinVar variation 1914769 (VCV001914769.6), dbSNP rs2546606072, ClinGen allele CA345396186.